The following is an entry in ClinVar:

NM_006009.4(TUBA1A):c.385T>C (p.Cys129Arg)

Gene: TUBA1A (tubulin alpha 1a; minus strand). Cytogenetic location: 12q13.12.
Variant type: single nucleotide variant.
Coding change: c.385T>C on transcript NM_006009.4 (MANE Select); coding-DNA position 385, T replaced by C.
Protein change: p.Cys129Arg; replaces cysteine 129 with arginine.
Molecular consequence: missense variant.
Genome position (GRCh38, 1-based): chr12:49,185,981, A>G on the plus strand (T>C on the coding strand, the complement: TUBA1A is on the minus strand). VCF-style: chr12-49185981-A-G. GRCh37 (hg19) VCF-style: chr12-49579764-A-G.
Other names: c.385T>C, p.Cys129Arg (NM_001270399.2); c.280T>C, p.Cys94Arg (NM_001270400.2); short protein forms C129R, C94R.
Identifiers: ClinVar variation 1028471 (VCV001028471.2), dbSNP rs1942175585, ClinGen allele CA384642874.
Genomic context (GRCh38, chr12:49,185,981, plus strand): 5'-ACCCAGAACCAGTTCCCCCACCAAAGCTGTGGAAAACCAAGAAGCCCTGGAGACCCGTGC[A>G]CTGGTCGGCCTATAACAAAAGAGAGGAACAGAGGAAAGGTTAAGTTTTTATTCTTTGTAG-3'
Protein context (NP_006000.2, residues 119-139): LDRIRKLADQ[Cys129Arg]TGLQGFLVFH

ClinVar aggregate classification (germline): Uncertain significance. Review status: criteria provided, multiple submitters, no conflicts (2 of 4 stars). 2 submissions from 2 submitters: Uncertain significance (2). Last evaluated 2026-02-16.

Conditions:
Fetal anomalies with a likely genetic cause.
Lissencephaly due to TUBA1A mutation (CDCBM16). Also called: CORTICAL DYSPLASIA, COMPLEX, WITH OTHER BRAIN MALFORMATIONS 16; Lissencephaly 3. Identifiers: Orphanet 171680, MedGen C4305153, MONDO:0012703, OMIM 611603.

Submissions (2):

Genetics Laboratory, Great Ormond Street Hospital NHS Foundation Trust, North Thames Genomic Laboratory Hub
Classification: Uncertain significance for Fetal anomalies with a likely genetic cause. Last evaluated: 2026-02-16. Review status: criteria provided, single submitter. Criteria: ACGS Best Practice Guidelines for Variant Classification in Rare Disease 2024 v1.2. Collection method: clinical testing. Allele origin: germline. Affected: yes.
Comment: PM2_moderate, PP3_supporting, PP2_supporting

Baylor Genetics
Classification: Uncertain significance for Lissencephaly due to TUBA1A mutation. Last evaluated: 2020-10-09. Review status: criteria provided, single submitter. Criteria: ACMG Guidelines, 2015. Collection method: clinical testing. Allele origin: unknown. Affected: yes.
Comment: This variant was determined to be of uncertain significance according to ACMG Guidelines, 2015 [PMID:25741868].